The following is an entry in ClinVar:

NM_152564.5(VPS13B):c.9293C>A (p.Pro3098Gln)

Gene: VPS13B (vacuolar protein sorting 13 homolog B; plus strand). Cytogenetic location: 8q22.2.
Variant type: single nucleotide variant.
Coding change: c.9293C>A on transcript NM_152564.5 (MANE Select); coding-DNA position 9293, C replaced by A.
Protein change: p.Pro3098Gln; replaces proline 3098 with glutamine.
Molecular consequence: missense variant.
Genome position (GRCh38, 1-based): chr8:99,823,941, C>A. VCF-style: chr8-99823941-C-A. GRCh37 (hg19) VCF-style: chr8-100836169-C-A.
Other names: c.9293C>A (NM_152564.4); c.9368C>A, p.Pro3123Gln (NM_017890.5); short protein forms P3098Q, P3123Q.
Identifiers: ClinVar variation 945541 (VCV000945541.10), dbSNP rs917260056, ClinGen allele CA182331525.

ClinVar aggregate classification (germline): Uncertain significance. Review status: criteria provided, multiple submitters, no conflicts (2 of 4 stars). 3 submissions from 3 submitters: Uncertain significance (2). 1 of the submissions does not count toward it. Last evaluated 2025-12-22.

Conditions:
VPS13B-related disorder. Also called: VPS13B-related condition.
Cohen syndrome (COH1). Also called: Cutis verticis gyrata, retinitis pigmentosa, and sensorineural deafness; PEPPER SYNDROME. Identifiers: Orphanet 193, MedGen C0265223, MONDO:0008999, OMIM 216550.

Allele frequency attached by ClinVar (database versions not stated): TOPMed 0.00001.

Submissions (3):

PreventionGenetics, part of Exact Sciences
Classification: Uncertain significance for VPS13B-related condition. Last evaluated: 2025-12-22. Review status: criteria provided, single submitter. Criteria: ACMG Guidelines, 2015. Collection method: clinical testing. Allele origin: germline.
Comment: The VPS13B c.9293C>A variant is predicted to result in the amino acid substitution p.Pro3098Gln. To our knowledge, this variant has not been reported in the literature or in a large population database (gnomAD), indicating this variant is rare. At this time, the clinical significance of this variant is uncertain due to the absence of conclusive functional and genetic evidence.

Labcorp Genetics (formerly Invitae), Labcorp
Classification: Uncertain significance for Cohen syndrome. Last evaluated: 2022-03-19. Review status: criteria provided, single submitter. Criteria: Invitae Variant Classification Sherloc (09022015). Collection method: clinical testing. Allele origin: germline.
Comment: This sequence change replaces proline, which is neutral and non-polar, with glutamine, which is neutral and polar, at codon 3123 of the VPS13B protein (p.Pro3123Gln). This variant is not present in population databases (gnomAD no frequency). This variant has not been reported in the literature in individuals affected with VPS13B-related conditions. ClinVar contains an entry for this variant (Variation ID: 945541). Algorithms developed to predict the effect of missense changes on protein structure and function are either unavailable or do not agree on the potential impact of this missense change (SIFT: "Not Available"; PolyPhen-2: "Possibly Damaging"; Align-GVGD: "Not Available"). In summary, the available evidence is currently insufficient to determine the role of this variant in disease. Therefore, it has been classified as a Variant of Uncertain Significance.

Natera, Inc.
Classification: Uncertain significance for Cohen syndrome. Last evaluated: 2021-03-31. Review status: no assertion criteria provided. Collection method: clinical testing. Allele origin: germline. Not counted in ClinVar's aggregate classification.